The following is an entry in ClinVar:

NM_001943.5(DSG2):c.1562A>G (p.Asp521Gly)

Gene: DSG2 (desmoglein 2; plus strand). Cytogenetic location: 18q12.1.
Variant type: single nucleotide variant.
Coding change: c.1562A>G on transcript NM_001943.5 (MANE Select); coding-DNA position 1562, A replaced by G.
Protein change: p.Asp521Gly; replaces aspartic acid 521 with glycine.
Molecular consequence: missense variant.
Genome position (GRCh38, 1-based): chr18:31,536,340, A>G. VCF-style: chr18-31536340-A-G. GRCh37 (hg19) VCF-style: chr18-29116303-A-G.
Other names: p.Asp521Gly; c.1562A>G (LRG_397t1); short protein forms D521G.
Identifiers: ClinVar variation 180320 (VCV000180320.19), dbSNP rs730880077, ClinGen allele CA021483.

ClinVar aggregate classification (germline): Uncertain significance. Review status: criteria provided, multiple submitters, no conflicts (2 of 4 stars). 7 submissions from 7 submitters: Uncertain significance (7). Last evaluated 2025-12-17.

Conditions:
Cardiovascular phenotype. Identifiers: MedGen CN230736.
Arrhythmogenic right ventricular cardiomyopathy (ARVD). Also called: Arrhythmogenic cardiomyopathy; Arrhythmogenic Right Ventricular Cardiomyopathy (ARVC); Cardiomyopathy, ARVC; Arrhythmogenic right ventricular dysplasia. Identifiers: Orphanet 247, MedGen C0349788, MeSH D019571, MONDO:0016587. Disease mechanism: loss of function. Inheritance: Various modes of inheritance.
Cardiomyopathy (CMYO). Also called: Cardiomyopathies. Identifiers: Orphanet 167848, MedGen C0878544, MONDO:0004994, HP:0001638. Inheritance: Various modes of inheritance.
Arrhythmogenic right ventricular dysplasia 10. Also called: Arrhythmogenic right ventricular dysplasia/cardiomyopathy, type 10; Arrhythmogenic Right Ventricular Dysplasia/Cardiomyopathy10; ARRHYTHMOGENIC RIGHT VENTRICULAR DYSPLASIA, FAMILIAL, 10. Identifiers: MedGen C1857777, MONDO:0012434, OMIM 610193.

Allele frequency attached by ClinVar (database versions not stated): TOPMed below 0.00001; gnomAD 0.00001; ExAC 0.00002; gnomAD exomes 0.00002.
gnomAD v4.1: 39 of 1,614,112 alleles (0.0024%); highest among the groups gnomAD compares: East Asian, 0.082%; no homozygotes.

Submissions (7):

Color Diagnostics, LLC DBA Color Health
Classification: Uncertain significance for Cardiomyopathy. Last evaluated: 2025-12-17. Review status: criteria provided, single submitter. Criteria: ACMG Guidelines, 2015. Collection method: clinical testing. Allele origin: germline.
Comment: This missense variant replaces aspartic acid with glycine at codon 521 of the DSG2 protein. Computational prediction suggests that this variant may have deleterious impact on protein structure and function. To our knowledge, functional studies have not been reported for this variant. This variant has been reported in individuals affected with arrhythmogenic right ventricular cardiomyopathy or dysplasia (PMID: 29178656) and in a case of suspected sudden cardiac death (PMID: 37328711). This variant has been identified in 39/1614112 chromosomes in the general population by the Genome Aggregation Database (gnomAD). The available evidence is insufficient to determine the role of this variant in disease conclusively. Therefore, this variant is classified as a Variant of Uncertain Significance.

Labcorp Genetics (formerly Invitae), Labcorp
Classification: Uncertain significance for Arrhythmogenic right ventricular dysplasia 10. Last evaluated: 2025-12-02. Review status: criteria provided, single submitter. Criteria: Invitae Variant Classification Sherloc (09022015). Collection method: clinical testing. Allele origin: germline.
Comment: This sequence change replaces aspartic acid, which is acidic and polar, with glycine, which is neutral and non-polar, at codon 521 of the DSG2 protein (p.Asp521Gly). This variant is present in population databases (rs730880077, gnomAD 0.02%). This missense change has been observed in individual(s) with DSG2-related conditions (PMID: 29178656). ClinVar contains an entry for this variant (Variation ID: 180320). Invitae Evidence Modeling of protein sequence and biophysical properties (such as structural, functional, and spatial information, amino acid conservation, physicochemical variation, residue mobility, and thermodynamic stability) has been performed for this missense variant. However, the output from this modeling did not meet the statistical confidence thresholds required to predict the impact of this variant on DSG2 protein function. In summary, the available evidence is currently insufficient to determine the role of this variant in disease. Therefore, it has been classified as a Variant of Uncertain Significance.

Mayo Clinic Laboratories, Mayo Clinic
Classification: Uncertain significance. Last evaluated: 2025-01-31. Review status: criteria provided, single submitter. Criteria: ACMG Guidelines, 2015. Collection method: clinical testing. Allele origin: germline. Observed: 1 variant allele.
Comment: BS1, PP3

Ambry Genetics
Classification: Uncertain significance for Cardiovascular phenotype. Last evaluated: 2023-11-15. Review status: criteria provided, single submitter. Criteria: Ambry Variant Classification Scheme 2023. Collection method: clinical testing. Allele origin: germline.
Comment: The p.D521G variant (also known as c.1562A>G), located in coding exon 11 of the DSG2 gene, results from an A to G substitution at nucleotide position 1562. The aspartic acid at codon 521 is replaced by glycine, an amino acid with similar properties. This variant co-occurred with other DSG2 variants in individuals from an arrhythmogenic right ventricular cardiomyopathy (ARVC) cohort (Wada Y et al. Mol Genet Genomic Med, 2017 Nov;5:639-651). This variant was also detected in a sudden death case with features of ARVC (Takahashi Y et al. Int J Legal Med, 2023 Nov;137:1927-1937). This amino acid position is highly conserved in available vertebrate species. In addition, this alteration is predicted to be deleterious by in silico analysis. Since supporting evidence is limited at this time, the clinical significance of this alteration remains unclear.

All of Us Research Program, National Institutes of Health
Classification: Uncertain significance for Arrhythmogenic right ventricular cardiomyopathy. Last evaluated: 2023-06-26. Review status: criteria provided, single submitter. Criteria: ACMG Guidelines, 2015. Collection method: clinical testing. Allele origin: germline. Inheritance: Autosomal dominant inheritance. Observed: 2 variant alleles, 2 heterozygotes.
Comment: This missense variant replaces aspartic acid with glycine at codon 521 of the DSG2 protein. Computational prediction suggests that this variant may have a deleterious impact on protein structure and function (internally defined REVEL score threshold >= 0.7, PMID: 27666373). To our knowledge, functional studies have not been reported for this variant. This variant has been reported in individuals affected with arrhythmogenic right ventricular cardiomyopathy or dysplasia (PMID: 29178656). This variant has been identified in 5/249444 chromosomes in the general population by the Genome Aggregation Database (gnomAD). The available evidence is insufficient to determine the role of this variant in disease conclusively. Therefore, this variant is classified as a Variant of Uncertain Significance.

This study involves interpretation of variants in research participants for the purpose of population health screening. Participant phenotype was not available at the time of variant classification. Additional details can be found in publication PMID: 35346344, PMCID: PMC8962531

Illumina Laboratory Services, Illumina
Classification: Uncertain significance for Arrhythmogenic right ventricular dysplasia 10. Last evaluated: 2018-01-13. Review status: criteria provided, single submitter. Criteria: ICSL Variant Classification Criteria 13 December 2019. Collection method: clinical testing. Allele origin: germline.

Agnes Ginges Centre for Molecular Cardiology, Centenary Institute
Classification: Uncertain significance for Arrhythmogenic right ventricular cardiomyopathy. Last evaluated: 2017-03-16. Review status: criteria provided, single submitter. Criteria: ACMG Guidelines, 2015. Collection method: research. Allele origin: germline. Inheritance: Autosomal dominant inheritance. Affected: yes.
Comment: The DSG2 Asp521Gly is absent in the 1000 genomes project, and present at low frequency in the Exome Aggregation Consortium dataset (MAF=0.000025). Computational tools SIFT, MutationTaster, and PolyPhen-2 predict the variant to have a deleterious effect. In summary, while this is a rare variant, there is currently no evidence that DSG2 can cause an HCM phenotype, therefore we classify DSG2 Asp521Gly as a variant of "uncertain significance".

Literature cited by the submitters: PubMed 29178656 (cited by 5 submitters); PubMed 37328711 (cited by 3 submitters).